The following is an entry in ClinVar:

NM_003239.5(TGFB3):c.481T>A (p.Ser161Thr)

Gene: TGFB3 (transforming growth factor beta 3; minus strand). Cytogenetic location: 14q24.3.
Variant type: single nucleotide variant.
Coding change: c.481T>A on transcript NM_003239.5 (MANE Select); coding-DNA position 481, T replaced by A.
Protein change: p.Ser161Thr; replaces serine 161 with threonine.
Molecular consequence: missense variant.
Genome position (GRCh38, 1-based): chr14:75,971,590, A>T on the plus strand (T>A on the coding strand, the complement: TGFB3 is on the minus strand). VCF-style: chr14-75971590-A-T. GRCh37 (hg19) VCF-style: chr14-76437933-A-T.
Other names: c.481T>A, p.Ser161Thr (NM_001329938.2, NM_001329939.2); short protein forms S161T.
Identifiers: ClinVar variation 3781092 (VCV003781092.1).
Genomic context (GRCh38, chr14:75,971,590, plus strand): 5'-GTTTCTGCTCTGAGAGAGGAGTTACCTGGAAGAGCTCGATCCTCTGCTCATTCCGCTTAG[A>T]GCTGGGGTTGGGCACCCGCAAGACCCGGAATTCTGCTCGGAATAGGTTGGTTCTATTTTT-3'
Protein context (NP_003230.1, residues 151-171): FRVLRVPNPS[Ser161Thr]KRNEQRIELF

ClinVar aggregate classification (germline): Uncertain significance (1 of 4 stars; one submission).

Submission:

GeneDx
Classification: Uncertain significance. Last evaluated: 2024-10-15. Review status: criteria provided, single submitter. Criteria: GeneDx Variant Classification Process June 2021. Collection method: clinical testing. Allele origin: germline. Affected: yes.
Comment: Not observed at significant frequency in large population cohorts (gnomAD); In silico analysis indicates that this missense variant does not alter protein structure/function; Has not been previously published as pathogenic or benign to our knowledge